The following is an entry in ClinVar:

ClinVar aggregate classification (germline): Uncertain significance. Review status: criteria provided, multiple submitters, no conflicts (2 of 4 stars). 2 submissions from 2 submitters: Uncertain significance (2). Last evaluated 2026-08-06.

Conditions:
Arrhythmogenic right ventricular dysplasia 13. Also called: ARRHYTHMOGENIC RIGHT VENTRICULAR CARDIOMYOPATHY 13; Arrhythmogenic right ventricular dysplasia, familial, 13. Identifiers: MedGen C3810138, MONDO:0000908, OMIM 615616.

gnomAD v4.1: 14 of 1,612,432 alleles (0.00087%); highest among the groups gnomAD compares: East Asian, 0.0022%; no homozygotes.

Submissions (2):

OLLIN Analises Genomicas, OLLIN
Classification: Uncertain significance for Arrhythmogenic right ventricular dysplasia 13. Last evaluated: 2026-08-06. Review status: criteria provided, single submitter. Criteria: ACMG Guidelines 2015 PMID 25741868. Collection method: clinical testing. Allele origin: germline.
Comment: This missense variant, located in exon 11 (of 18), has been reported in ClinVar (accession VCV001771539.5) and in gnomAD with an allele frequency of 0.00087%. However, to our knowledge, it has not been reported in the scientific literature. In silico analysis predicts that this variant has a tolerated effect. According to the currently available evidence, this variant has been classified as uncertain significance (BP4).

Ambry Genetics
Classification: Uncertain significance. Last evaluated: 2026-07-19. Review status: criteria provided, single submitter. Criteria: Ambry Variant Classification Scheme 2023. Collection method: clinical testing. Allele origin: germline.
Comment: The p.L464F variant (also known as c.1390C>T), located in coding exon 10 of the CTNNA3 gene, results from a C to T substitution at nucleotide position 1390. The leucine at codon 464 is replaced by phenylalanine, an amino acid with highly similar properties. This amino acid position is conserved. In addition, this alteration is predicted to be tolerated by in silico analysis. Based on the available evidence, the clinical significance of this variant remains unclear.

NM_013266.4(CTNNA3):c.1390C>T (p.Leu464Phe)

Gene: CTNNA3 (catenin alpha 3; minus strand). Cytogenetic location: 10q21.3.
Variant type: single nucleotide variant.
Coding change: c.1390C>T on transcript NM_013266.4 (MANE Select); coding-DNA position 1390, C replaced by T.
Protein change: p.Leu464Phe; replaces leucine 464 with phenylalanine.
Molecular consequence: missense variant.
Genome position (GRCh38, 1-based): chr10:66,520,758, G>A on the plus strand (C>T on the coding strand, the complement: CTNNA3 is on the minus strand). VCF-style: chr10-66520758-G-A. GRCh37 (hg19) VCF-style: chr10-68280516-G-A.
Other names: c.1390C>T, p.Leu464Phe (NM_001127384.3); c.1390C>T (NM_013266.2); short protein forms L464F.
Identifiers: ClinVar variation 5003037 (VCV005003037.2).